The following is an entry in ClinVar:

NM_001079855.2(GYG2):c.1100_1101insGAGGGTCCCAGCC (p.Ser368fs)

Gene: GYG2 (glycogenin 2; plus strand). Cytogenetic location: Xp22.33.
Variant type: Insertion.
Coding change: c.1100_1101insGAGGGTCCCAGCC on transcript NM_001079855.2 (MANE Select); coding-DNA positions 1100 to 1101, GAGGGTCCCAGCC inserted.
Protein change: p.Ser368fs; shifts the reading frame from serine 368.
Molecular consequence: frameshift variant. On other transcripts: intron variant (2).
Genome position: GRCh38 VCF-style: chrX-2875862-T-TGTCCCAGCCGAGG. GRCh37 (hg19) VCF-style: chrX-2793903-T-TGTCCCAGCCGAGG.
Other names: c.1100_1101insGAGGGTCCCAGCC, p.Ser368fs (NM_001184702.2); c.1193_1194insGAGGGTCCCAGCC, p.Ser399fs (NM_003918.3); c.1132-5181_1132-5180insGAGGGTCCCAGCC (NM_001184703.2); c.574-5181_574-5180insGAGGGTCCCAGCC (NM_001184704.2); short protein forms S399fs, S368fs.
Identifiers: ClinVar variation 3711268 (VCV003711268.2).

ClinVar aggregate classification (germline): Uncertain significance (1 of 4 stars; one submission).

Submission:

Labcorp Genetics (formerly Invitae), Labcorp
Classification: Uncertain significance. Last evaluated: 2024-12-02. Review status: criteria provided, single submitter. Criteria: Invitae Variant Classification Sherloc (09022015). Collection method: clinical testing. Allele origin: germline.
Comment: This sequence change creates a premature translational stop signal (p.Ser399Argfs*15) in the GYG2 gene. It is expected to result in an absent or disrupted protein product. However, the current clinical and genetic evidence is not sufficient to establish whether loss-of-function variants in GYG2 cause disease. The frequency data for this variant in the population databases is considered unreliable, as metrics indicate poor data quality at this position in the gnomAD database. This variant has not been reported in the literature in individuals affected with GYG2-related conditions. Algorithms developed to predict the effect of sequence changes on RNA splicing suggest that this variant may disrupt the consensus splice site. In summary, the available evidence is currently insufficient to determine the role of this variant in disease. Therefore, it has been classified as a Variant of Uncertain Significance.